The following is an entry in ClinVar:

NM_001267550.2(TTN):c.102024A>G (p.Leu34008=)

Genes: TTN (titin; minus strand), TTN-AS1 (TTN antisense RNA 1; plus strand). Cytogenetic location: 2q31.2.
Variant type: single nucleotide variant.
Coding change: c.102024A>G on transcript NM_001267550.2 (MANE Select); coding-DNA position 102024, A replaced by G.
Protein change: p.Leu34008=; no amino-acid change (leucine 34008 retained).
Molecular consequence: synonymous variant.
Genome position (GRCh38, 1-based): chr2:178,534,591, T>C on the plus strand (A>G on the coding strand, the complement: TTN is on the minus strand). VCF-style: chr2-178534591-T-C. GRCh37 (hg19) VCF-style: chr2-179399318-T-C.
Other names: c.94320A>G, p.Leu31440= (NM_133378.4); c.97101A>G, p.Leu32367= (NM_001256850.1); c.74829A>G, p.Leu24943= (NM_003319.4); c.75204A>G, p.Leu25068= (NM_133432.3); c.75405A>G, p.Leu25135= (NM_133437.4).
Identifiers: ClinVar variation 179160 (VCV000179160.20), dbSNP rs727504677, ClinGen allele CA183840.

ClinVar aggregate classification (germline): Conflicting classifications of pathogenicity. Review status: criteria provided, conflicting classifications (1 of 4 stars). 4 submissions from 4 submitters: Uncertain significance (1); Likely benign (3). Last evaluated 2025-09-15.

Conditions:
Dilated cardiomyopathy 1G (CMD1G). Identifiers: Orphanet 154, MedGen C1858763, MONDO:0011400, OMIM 604145.
Autosomal recessive limb-girdle muscular dystrophy type 2J (LGMDR10). Also called: Limb-girdle muscular dystrophy, type 2J; MUSCULAR DYSTROPHY, LIMB-GIRDLE, AUTOSOMAL RECESSIVE 10. Identifiers: Orphanet 140922, MedGen C1837342, MONDO:0012127, OMIM 608807.
Cardiovascular phenotype. Identifiers: MedGen CN230736.

Allele frequency attached by ClinVar (database versions not stated): gnomAD 0.00002 and 0.00003; gnomAD exomes 0.00002 and 0.00006; TOPMed 0.00002; ExAC 0.00004.
gnomAD v4.1: 94 of 1,613,896 alleles (0.0058%); highest among the groups gnomAD compares: South Asian, 0.036%; 2 homozygotes.

Submissions (4):

Labcorp Genetics (formerly Invitae), Labcorp
Classification: Likely benign for Dilated cardiomyopathy 1G; Autosomal recessive limb-girdle muscular dystrophy type 2J. Last evaluated: 2025-09-15. Review status: criteria provided, single submitter. Criteria: Invitae Variant Classification Sherloc (09022015). Collection method: clinical testing. Allele origin: germline.

Ambry Genetics
Classification: Likely benign for Cardiovascular phenotype. Last evaluated: 2022-06-14. Review status: criteria provided, single submitter. Criteria: Ambry Variant Classification Scheme 2023. Collection method: clinical testing. Allele origin: germline.

Eurofins Ntd Llc (ga)
Classification: Uncertain significance. Last evaluated: 2016-05-18. Review status: criteria provided, single submitter. Criteria: EGL Classification Definitions 2015. Collection method: clinical testing. Allele origin: germline. Observed: 2 variant alleles, 2 heterozygotes.

Laboratory for Molecular Medicine, Mass General Brigham Personalized Medicine
Classification: Likely benign. Last evaluated: 2013-08-14. Review status: criteria provided, single submitter. Criteria: LMM Criteria. Collection method: clinical testing. Allele origin: germline. Observed: 1 variant allele.
Comment: Leu31440Leu in exon 307 of TTN: This variant is not expected to have clinical si gnificance because it does not alter an amino acid residue and is not located wi thin the splice consensus sequence. Leu31440Leu in exon 307 of TTN (allele freq uency = n/a)